The following is an entry in ClinVar:

NM_005477.3(HCN4):c.1648C>T (p.Arg550Cys)

Gene: HCN4 (hyperpolarization activated cyclic nucleotide gated potassium channel 4; minus strand). Cytogenetic location: 15q24.1.
Variant type: single nucleotide variant.
Coding change: c.1648C>T on transcript NM_005477.3 (MANE Select); coding-DNA position 1648, C replaced by T.
Protein change: p.Arg550Cys; replaces arginine 550 with cysteine.
Molecular consequence: missense variant.
Genome position (GRCh38, 1-based): chr15:73,325,387, G>A on the plus strand (C>T on the coding strand, the complement: HCN4 is on the minus strand). VCF-style: chr15-73325387-G-A. GRCh37 (hg19) VCF-style: chr15-73617728-G-A.
Other names: HCN4, ARG550CYS (rs150691273); R550C; c.1648C>T (NM_005477.2).
Identifiers: ClinVar variation 1240014 (VCV001240014.5), dbSNP rs150691273, ClinGen allele CA7649239.

ClinVar aggregate classification (germline): Uncertain significance. Review status: criteria provided, multiple submitters, no conflicts (2 of 4 stars). 3 submissions from 3 submitters: Uncertain significance (2). 1 of the submissions does not count toward it. Last evaluated 2025-10-13.

Conditions:
Cardiovascular phenotype. Identifiers: MedGen CN230736.
Epilepsy, idiopathic generalized, susceptibility to, 18. Identifiers: MedGen C5561983, MONDO:0030434, OMIM 619521.
Brugada syndrome 8 (BRGDA8). Identifiers: Orphanet 130, MedGen C2751083, MONDO:0013148, OMIM 613123.

Allele frequency attached by ClinVar (database versions not stated): gnomAD exomes 0.00001; TOPMed 0.00001; ESP Exome Variant Server 0.00008; ExAC 0.00001; gnomAD 0.00001.
gnomAD v4.1: 14 of 1,614,002 alleles (0.00087%); highest among the groups gnomAD compares: Middle Eastern, 0.033%; no homozygotes.

Submissions (3):

Labcorp Genetics (formerly Invitae), Labcorp
Classification: Uncertain significance for Brugada syndrome 8. Last evaluated: 2025-10-13. Review status: criteria provided, single submitter. Criteria: Invitae Variant Classification Sherloc (09022015). Collection method: clinical testing. Allele origin: germline.
Comment: This sequence change replaces arginine, which is basic and polar, with cysteine, which is neutral and slightly polar, at codon 550 of the HCN4 protein (p.Arg550Cys). This variant is present in population databases (rs150691273, gnomAD 0.002%). This missense change has been observed in individual(s) with generalized epilepsy (PMID: 30127718). ClinVar contains an entry for this variant (Variation ID: 1240014). Invitae Evidence Modeling of protein sequence and biophysical properties (such as structural, functional, and spatial information, amino acid conservation, physicochemical variation, residue mobility, and thermodynamic stability) indicates that this missense variant is expected to disrupt HCN4 protein function with a positive predictive value of 95%. Experimental studies have shown that this missense change affects HCN4 function (PMID: 30127718). In summary, the available evidence is currently insufficient to determine the role of this variant in disease. Therefore, it has been classified as a Variant of Uncertain Significance.

Ambry Genetics
Classification: Uncertain significance for Cardiovascular phenotype. Last evaluated: 2024-03-08. Review status: criteria provided, single submitter. Criteria: Ambry Variant Classification Scheme 2023. Collection method: clinical testing. Allele origin: germline.
Comment: The p.R550C variant (also known as c.1648C>T), located in coding exon 5 of the HCN4 gene, results from a C to T substitution at nucleotide position 1648. The arginine at codon 550 is replaced by cysteine, an amino acid with highly dissimilar properties. This alteration has been reported in subjects with generalized epilepsy (DiFrancesco JC et al. Epilepsy Res, 2019 Jul;153:49-58). Studies suggest this alteration may have an impact on protein function (Campostrini G et al. Front Mol Neurosci, 2018 Aug;11:269). This amino acid position is highly conserved in available vertebrate species. In addition, this alteration is predicted to be deleterious by in silico analysis. Based on the available evidence, the clinical significance of this alteration remains unclear.

OMIM
Classification: risk factor for EPILEPSY, IDIOPATHIC GENERALIZED, SUSCEPTIBILITY TO, 18 (1 family). Last evaluated: 2021-09-09. Review status: no assertion criteria provided. Collection method: literature only. Allele origin: germline. Not counted in ClinVar's aggregate classification.

Literature cited by the submitters: PubMed 30127718 (cited by Labcorp Genetics (formerly Invitae), Labcorp and Ambry Genetics); PubMed 30986657 (cited by Ambry Genetics); Campostrini, G., DiFrancesco, J. C., Castellotti, B., Milanesi, R., Gnecchi-Ruscone, T., Bonzanni, M., Bucchi, A., Baruscotti, M., Ferrarese, C., Franceschetti, S., Canafoglia, L., Ragona, F., Freri, E., Labate, A., Gambardella, A., Costa, C., Gellera, C., Granata, T., Barbuti, A., DiFrancesco, D. A loss-of-function HCN4 mutation associated with familial benign myoclonic epilepsy in infancy causes increased neuronal excitability. Front. Molec. Neurosci. 11: 269, 2018. (cited by OMIM).